The following is an entry in ClinVar:

ClinVar aggregate classification (germline): Uncertain significance (1 of 4 stars; one submission).

Conditions:
DICER1-related tumor predisposition. Also called: DICER1-related pleuropulmonary blastoma cancer predisposition syndrome; DICER1 syndrome. Identifiers: Orphanet 284343, MedGen C3839822, MONDO:0100216.

Submission:

Labcorp Genetics (formerly Invitae), Labcorp
Classification: Uncertain significance for DICER1-related tumor predisposition. Last evaluated: 2021-11-19. Review status: criteria provided, single submitter. Criteria: Invitae Variant Classification Sherloc (09022015). Collection method: clinical testing. Allele origin: germline.
Comment: In summary, the available evidence is currently insufficient to determine the role of this variant in disease. Therefore, it has been classified as a Variant of Uncertain Significance. Algorithms developed to predict the effect of missense changes on protein structure and function (SIFT, PolyPhen-2, Align-GVGD) all suggest that this variant is likely to be tolerated. ClinVar contains an entry for this variant (Variation ID: 477233). This variant has not been reported in the literature in individuals affected with DICER1-related conditions. This variant is not present in population databases (gnomAD no frequency). This sequence change replaces asparagine, which is neutral and polar, with aspartic acid, which is acidic and polar, at codon 1674 of the DICER1 protein (p.Asn1674Asp).

NM_177438.3(DICER1):c.5020A>G (p.Asn1674Asp)

Gene: DICER1 (dicer 1, ribonuclease III; minus strand). Cytogenetic location: 14q32.13.
Variant type: single nucleotide variant.
Coding change: c.5020A>G on transcript NM_177438.3 (MANE Select); coding-DNA position 5020, A replaced by G.
Protein change: p.Asn1674Asp; replaces asparagine 1674 with aspartic acid.
Molecular consequence: missense variant.
Genome position (GRCh38, 1-based): chr14:95,095,900, T>C on the plus strand (A>G on the coding strand, the complement: DICER1 is on the minus strand). VCF-style: chr14-95095900-T-C. GRCh37 (hg19) VCF-style: chr14-95562237-T-C.
Other names: c.5020A>G, p.Asn1674Asp (NM_001195573.1, NM_001271282.3, NM_001291628.2 and 1 more transcripts); short protein forms N1674D.
Identifiers: ClinVar variation 477233 (VCV000477233.8), dbSNP rs1555367519, ClinGen allele CA390866082.